The following is an entry in ClinVar:

NM_001308093.3(GATA4):c.280G>A (p.Ala94Thr)

Gene: GATA4 (GATA binding protein 4). Cytogenetic location: 8p23.1.
Variant type: single nucleotide variant.
Coding change: c.280G>A on transcript NM_001308093.3 (MANE Select); coding-DNA position 280, G replaced by A.
Protein change: p.Ala94Thr; replaces alanine 94 with threonine.
Molecular consequence: missense variant. On other transcripts: intron variant (3).
Genome position (GRCh38, 1-based): chr8:11,708,592, G>A. VCF-style: chr8-11708592-G-A. GRCh37 (hg19) VCF-style: chr8-11566101-G-A.
Other names: c.280G>A, p.Ala94Thr (NM_002052.5); c.-6+7814G>A (NM_001308094.2); c.-3+578G>A (NM_001374274.1); c.-3+4288G>A (NM_001374273.1); short protein forms A94T.
Identifiers: ClinVar variation 859946 (VCV000859946.13), dbSNP rs780764610, ClinGen allele CA4630618.

ClinVar aggregate classification (germline): Uncertain significance. Review status: criteria provided, multiple submitters, no conflicts (2 of 4 stars). 2 submissions from 2 submitters: Uncertain significance (2). Last evaluated 2025-12-26.

Conditions:
Atrioventricular septal defect 4 (AVSD4). Identifiers: MedGen C3280781, MONDO:0013747, OMIM 614430.

Allele frequency attached by ClinVar (database versions not stated): ExAC below 0.00001; gnomAD exomes below 0.00001; gnomAD 0.00009 and 0.00010; TOPMed 0.00011.
gnomAD v4.1: 19 of 1,357,404 alleles (0.0014%); highest among the groups gnomAD compares: African/African-American, 0.029%; no homozygotes.

Submissions (2):

Labcorp Genetics (formerly Invitae), Labcorp
Classification: Uncertain significance for Atrioventricular septal defect 4. Last evaluated: 2025-12-26. Review status: criteria provided, single submitter. Criteria: Invitae Variant Classification Sherloc (09022015). Collection method: clinical testing. Allele origin: germline.
Comment: This sequence change replaces alanine, which is neutral and non-polar, with threonine, which is neutral and polar, at codon 94 of the GATA4 protein (p.Ala94Thr). This variant is present in population databases (rs780764610, gnomAD 0.04%). This variant has not been reported in the literature in individuals affected with GATA4-related conditions. ClinVar contains an entry for this variant (Variation ID: 859946). Invitae Evidence Modeling of protein sequence and biophysical properties (such as structural, functional, and spatial information, amino acid conservation, physicochemical variation, residue mobility, and thermodynamic stability) indicates that this missense variant is not expected to disrupt GATA4 protein function with a negative predictive value of 95%. In summary, the available evidence is currently insufficient to determine the role of this variant in disease. Therefore, it has been classified as a Variant of Uncertain Significance.

GeneDx
Classification: Uncertain significance. Last evaluated: 2025-05-29. Review status: criteria provided, single submitter. Criteria: GeneDx Variant Classification Process June 2021. Collection method: clinical testing. Allele origin: germline. Affected: yes.
Comment: In silico analysis suggests that this missense variant does not alter protein structure/function; This variant is associated with the following publications: (PMID: 33095795)